The following is an entry in ClinVar:

GRCh38/hg38 2p25.1(chr2:10216979-10515005)x1

Genes: HPCAL1 (hippocalcin like 1; plus strand), ODC1 (ornithine decarboxylase 1; minus strand), ODC1-DT (ODC1 divergent transcript; plus strand), SNORA80B (small nucleolar RNA, H/ACA box 80B; minus strand), LOC115804260 (CRISPRi-validated cis-regulatory element chr2.403; plus strand) and 15 more. Cytogenetic location: 2p25.1.
Variant type: copy number loss.
Change: copy number 1 (one copy instead of two) of chr2:10,216,979-10,515,005 (298.0 kb, GRCh38 coordinates, 1-based), cytogenetic band 2p25.1.
Identifiers: ClinVar variation 58365 (VCV000058365.1).

ClinVar aggregate classification (germline): Uncertain significance (1 of 4 stars; one submission).

Submission:

ISCA site 17
Classification: Uncertain significance. Last evaluated: 2011-08-12. Review status: criteria provided, single submitter. Criteria: Kaminsky et al. (Genet Med. 2011). Collection method: clinical testing. Allele origin: unknown. Affected: yes. Observed: 1 variant allele.
Comment: Copy number variation identified through the course of routine clinical cytogenomic testing in postnatal populations. Clinical assertions have been curated as described in Kaminsky et al. 2011.